The following is an entry in ClinVar:

NM_013432.5(TONSL):c.686G>A (p.Arg229Gln)

Gene: TONSL (tonsoku like, DNA repair protein; minus strand). Cytogenetic location: 8q24.3.
Variant type: single nucleotide variant.
Coding change: c.686G>A on transcript NM_013432.5 (MANE Select); coding-DNA position 686, G replaced by A.
Protein change: p.Arg229Gln; replaces arginine 229 with glutamine.
Molecular consequence: missense variant.
Genome position (GRCh38, 1-based): chr8:144,442,305, C>T on the plus strand (G>A on the coding strand, the complement: TONSL is on the minus strand). VCF-style: chr8-144442305-C-T. GRCh37 (hg19) VCF-style: chr8-145667688-C-T.
Other names: c.686G>A (NM_013432.4); short protein forms R229Q.
Identifiers: ClinVar variation 1449832 (VCV001449832.6), dbSNP rs755568862, ClinGen allele CA4943550.

ClinVar aggregate classification (germline): Uncertain significance. Review status: criteria provided, multiple submitters, no conflicts (2 of 4 stars). 2 submissions from 2 submitters: Uncertain significance (2). Last evaluated 2022-12-27.

Conditions:
Inborn genetic diseases. Identifiers: MedGen C0950123, MeSH D030342.

Allele frequency attached by ClinVar (database versions not stated): gnomAD 0.00001 and 0.00002; ExAC 0.00002; gnomAD exomes 0.00003 and 0.00005; TOPMed 0.00006.

Submissions (2):

Ambry Genetics
Classification: Uncertain significance for Inborn genetic diseases. Last evaluated: 2022-12-27. Review status: criteria provided, single submitter. Criteria: Ambry Variant Classification Scheme 2023. Collection method: clinical testing. Allele origin: germline.

Labcorp Genetics (formerly Invitae), Labcorp
Classification: Uncertain significance. Last evaluated: 2022-08-31. Review status: criteria provided, single submitter. Criteria: Invitae Variant Classification Sherloc (09022015). Collection method: clinical testing. Allele origin: germline.
Comment: This sequence change replaces arginine, which is basic and polar, with glutamine, which is neutral and polar, at codon 229 of the TONSL protein (p.Arg229Gln). This variant is present in population databases (rs755568862, gnomAD 0.01%), including at least one homozygous and/or hemizygous individual. This variant has not been reported in the literature in individuals affected with TONSL-related conditions. ClinVar contains an entry for this variant (Variation ID: 1449832). Algorithms developed to predict the effect of missense changes on protein structure and function are either unavailable or do not agree on the potential impact of this missense change (SIFT: "Tolerated"; PolyPhen-2: "Probably Damaging"; Align-GVGD: "Class C0"). In summary, the available evidence is currently insufficient to determine the role of this variant in disease. Therefore, it has been classified as a Variant of Uncertain Significance.